The following is an entry in ClinVar:

ClinVar aggregate classification (germline): Uncertain significance (1 of 4 stars; one submission).

Conditions:
Dilated cardiomyopathy 1W (CMD1W). Identifiers: Orphanet 154, MedGen C1969639, MONDO:0012667, OMIM 611407.

Submission:

Labcorp Genetics (formerly Invitae), Labcorp
Classification: Uncertain significance for Dilated cardiomyopathy 1W. Last evaluated: 2023-12-11. Review status: criteria provided, single submitter. Criteria: Invitae Variant Classification Sherloc (09022015). Collection method: clinical testing. Allele origin: germline.
Comment: This sequence change replaces alanine with valine at codon 36 of the VCL protein (p.Ala36Val). The alanine residue is highly conserved and there is a small physicochemical difference between alanine and valine. This variant is not present in population databases (gnomAD no frequency). This variant has not been reported in the literature in individuals affected with VCL-related conditions. ClinVar contains an entry for this variant (Variation ID: 1505280). An algorithm developed to predict the effect of missense changes on protein structure and function (PolyPhen-2) suggests that this variant is likely to be tolerated. In summary, the available evidence is currently insufficient to determine the role of this variant in disease. Therefore, it has been classified as a Variant of Uncertain Significance.

NM_014000.3(VCL):c.107C>T (p.Ala36Val)

Genes: VCL (vinculin; plus strand), LOC130004109 (ATAC-STARR-seq lymphoblastoid active region 3587; plus strand). Cytogenetic location: 10q22.2.
Variant type: single nucleotide variant.
Coding change: c.107C>T on transcript NM_014000.3 (MANE Select); coding-DNA position 107, C replaced by T.
Protein change: p.Ala36Val; replaces alanine 36 with valine.
Molecular consequence: missense variant.
Genome position (GRCh38, 1-based): chr10:73,998,314, C>T. VCF-style: chr10-73998314-C-T. GRCh37 (hg19) VCF-style: chr10-75758072-C-T.
Other names: c.107C>T, p.Ala36Val (NM_003373.4); short protein forms A36V.
Identifiers: ClinVar variation 1505280 (VCV001505280.8), dbSNP rs2136218305, ClinGen allele CA377255244.